The following is an entry in ClinVar:

ClinVar aggregate classification (germline): Benign/Likely benign. Review status: criteria provided, multiple submitters, no conflicts (2 of 4 stars). 2 submissions from 2 submitters: Benign (1); Likely benign (1). Last evaluated 2026-01-06.

Allele frequency attached by ClinVar (database versions not stated): gnomAD exomes 0.00008; ExAC 0.00088; 1000 Genomes Project 30x 0.00453; ESP Exome Variant Server 0.01503; gnomAD 0.00268 and 0.00277.

Submissions (2):

Labcorp Genetics (formerly Invitae), Labcorp
Classification: Benign. Last evaluated: 2026-01-06. Review status: criteria provided, single submitter. Criteria: Invitae Variant Classification Sherloc (09022015). Collection method: clinical testing. Allele origin: germline.

GeneDx
Classification: Likely benign. Last evaluated: 2018-02-16. Review status: criteria provided, single submitter. Criteria: GeneDx Variant Classification (06012015). Collection method: clinical testing. Allele origin: germline. Affected: yes.
Comment: This variant is considered likely benign or benign based on one or more of the following criteria: it is a conservative change, it occurs at a poorly conserved position in the protein, it is predicted to be benign by multiple in silico algorithms, and/or has population frequency not consistent with disease.

NM_030753.5(WNT3):c.322+18del

Genes: LRRC37A2 (leucine rich repeat containing 37 member A2), WNT3 (Wnt family member 3; minus strand). Cytogenetic location: 17q21.31.
Variant type: Deletion.
Coding change: c.322+18del on transcript NM_030753.5 (MANE Select); 18 bases into the intron after coding-DNA position 322, one base deleted (A; older notation c.322+18delA).
Molecular consequence: intron variant.
Genome position (GRCh38, 1-based): chr17:46,773,650, T deleted on the plus strand (A on the coding strand, the reverse complement: WNT3 is on the minus strand). VCF-style (leftmost placement, unchanged base first): chr17-46773649-CT-C. GRCh37 (hg19) VCF-style: chr17-44851015-CT-C.
Identifiers: ClinVar variation 515621 (VCV000515621.9), dbSNP rs778923631, ClinGen allele CA8620638.